The following is an entry in ClinVar:

NM_000702.4(ATP1A2):c.1261C>T (p.Arg421Ter)

Gene: ATP1A2 (ATPase Na+/K+ transporting subunit alpha 2; plus strand). Cytogenetic location: 1q23.2.
Variant type: single nucleotide variant.
Coding change: c.1261C>T on transcript NM_000702.4 (MANE Select); coding-DNA position 1261, C replaced by T.
Protein change: p.Arg421Ter; replaces arginine 421 with a stop codon.
Molecular consequence: nonsense.
Genome position (GRCh38, 1-based): chr1:160,129,024, C>T. VCF-style: chr1-160129024-C-T. GRCh37 (hg19) VCF-style: chr1-160098814-C-T.
Other names: short protein forms R421*.
Identifiers: ClinVar variation 444184 (VCV000444184.49), dbSNP rs1165052640, ClinGen allele CA343240301.

ClinVar aggregate classification (germline): Pathogenic/Likely pathogenic. Review status: criteria provided, multiple submitters, no conflicts (2 of 4 stars). 3 submissions from 3 submitters: Pathogenic (1); Likely pathogenic (2). Last evaluated 2026-01-09.

Conditions:
Familial hemiplegic migraine. Identifiers: MedGen C0338484, MONDO:0000700.

Allele frequency attached by ClinVar (database versions not stated): gnomAD exomes below 0.00001 and 0.00001; gnomAD 0.00001; TOPMed 0.00001.
gnomAD v4.1: 11 of 1,611,180 alleles (0.00068%); highest among the groups gnomAD compares: African/African-American, 0.004%; no homozygotes.

Submissions (3):

GeneDx
Classification: Likely pathogenic. Last evaluated: 2026-01-09. Review status: criteria provided, single submitter. Criteria: GeneDx Variant Classification Process June 2021. Collection method: clinical testing. Allele origin: germline.
Comment: Nonsense variant predicted to result in protein truncation or nonsense mediated decay in a gene for which loss of function is a known mechanism of disease; Not observed at significant frequency in large population cohorts (gnomAD); This variant is associated with the following publications: (PMID: 31440721, Pei2025[Article])

Labcorp Genetics (formerly Invitae), Labcorp
Classification: Pathogenic for Familial hemiplegic migraine. Last evaluated: 2024-02-22. Review status: criteria provided, single submitter. Criteria: Invitae Variant Classification Sherloc (09022015). Collection method: clinical testing. Allele origin: germline.
Comment: This sequence change creates a premature translational stop signal (p.Arg421*) in the ATP1A2 gene. It is expected to result in an absent or disrupted protein product. Loss-of-function variants in ATP1A2 are known to be pathogenic (PMID: 30690204). The frequency data for this variant in the population databases is considered unreliable, as metrics indicate poor data quality at this position in the gnomAD database. This variant has not been reported in the literature in individuals affected with ATP1A2-related conditions. ClinVar contains an entry for this variant (Variation ID: 444184). For these reasons, this variant has been classified as Pathogenic.

CeGaT Center for Human Genetics Tuebingen
Classification: Likely pathogenic. Last evaluated: 2017-02-01. Review status: criteria provided, single submitter. Criteria: CeGaT Center For Human Genetics Tuebingen Variant Classification Criteria Version 2. Collection method: clinical testing. Allele origin: germline. Affected: yes. Observed: 1 variant allele.

Literature cited by the submitters: PubMed 30690204 (cited by Labcorp Genetics (formerly Invitae), Labcorp).